The following is an entry in ClinVar:

NM_018451.5(CPAP):c.1263G>C (p.Gln421His)

Gene: CPAP (centrosome assembly and centriole elongation protein; minus strand). Cytogenetic location: 13q12.13.
Variant type: single nucleotide variant.
Coding change: c.1263G>C on transcript NM_018451.5 (MANE Select); coding-DNA position 1263, G replaced by C.
Protein change: p.Gln421His; replaces glutamine 421 with histidine.
Molecular consequence: missense variant. On other transcripts: non-coding transcript variant (2).
Genome position (GRCh38, 1-based): chr13:24,906,775, C>G on the plus strand (G>C on the coding strand, the complement: CPAP is on the minus strand). VCF-style: chr13-24906775-C-G. GRCh37 (hg19) VCF-style: chr13-25480913-C-G.
Other names: short protein forms Q421H.
Identifiers: ClinVar variation 210654 (VCV000210654.10), dbSNP rs201088712, ClinGen allele CA249686.

ClinVar aggregate classification (germline): Conflicting classifications of pathogenicity. Review status: criteria provided, conflicting classifications (1 of 4 stars). 3 submissions from 3 submitters: Likely pathogenic (1); Uncertain significance (2). Last evaluated 2026-01-26.

Conditions:
Inborn genetic diseases. Identifiers: MedGen C0950123, MeSH D030342.
Seckel syndrome 4 (SCKL4). Identifiers: Orphanet 808, MedGen C3888212, MONDO:0013358, OMIM 613676.

Allele frequency attached by ClinVar (database versions not stated): ESP Exome Variant Server 0.00008; ExAC 0.00012; gnomAD 0.00021 and 0.00020; 1000 Genomes Project 30x 0.00062; gnomAD exomes 0.00015 and 0.00016; TOPMed 0.00017; 1000 Genomes Project 0.00020.
gnomAD v4.1: 252 of 1,614,168 alleles (0.016%); highest among the groups gnomAD compares: Admixed American, 0.037%; no homozygotes.

Submissions (3):

Labcorp Genetics (formerly Invitae), Labcorp
Classification: Uncertain significance. Last evaluated: 2026-01-26. Review status: criteria provided, single submitter. Criteria: Invitae Variant Classification Sherloc (09022015). Collection method: clinical testing. Allele origin: germline.
Comment: This sequence change replaces glutamine, which is neutral and polar, with histidine, which is basic and polar, at codon 421 of the CENPJ protein (p.Gln421His). This variant is present in population databases (rs201088712, gnomAD 0.02%). This variant has not been reported in the literature in individuals affected with CENPJ-related conditions. ClinVar contains an entry for this variant (Variation ID: 210654). Invitae Evidence Modeling of protein sequence and biophysical properties (such as structural, functional, and spatial information, amino acid conservation, physicochemical variation, residue mobility, and thermodynamic stability) indicates that this missense variant is not expected to disrupt CENPJ protein function with a negative predictive value of 80%. In summary, the available evidence is currently insufficient to determine the role of this variant in disease. Therefore, it has been classified as a Variant of Uncertain Significance.

Ambry Genetics
Classification: Uncertain significance for Inborn genetic diseases. Last evaluated: 2021-06-11. Review status: criteria provided, single submitter. Criteria: Ambry Variant Classification Scheme 2023. Collection method: clinical testing. Allele origin: germline.

Genetic Services Laboratory, University of Chicago
Classification: Likely pathogenic for Seckel syndrome 4. Last evaluated: 2014-11-26. Review status: criteria provided, single submitter. Criteria: ACMG Guidelines, 2015. Collection method: clinical testing. Allele origin: germline. Affected: yes.